The following is an entry in ClinVar:

NM_031935.3(HMCN1):c.14420A>T (p.Asn4807Ile)

Gene: HMCN1 (hemicentin 1; plus strand). Cytogenetic location: 1q31.1.
Variant type: single nucleotide variant.
Coding change: c.14420A>T on transcript NM_031935.3 (MANE Select); coding-DNA position 14420, A replaced by T.
Protein change: p.Asn4807Ile; replaces asparagine 4807 with isoleucine.
Molecular consequence: missense variant.
Genome position (GRCh38, 1-based): chr1:186,145,556, A>T. VCF-style: chr1-186145556-A-T. GRCh37 (hg19) VCF-style: chr1-186114688-A-T.
Other names: c.14420A>T (NM_031935.2); short protein forms N4807I.
Identifiers: ClinVar variation 2190714 (VCV002190714.5), dbSNP rs142044852, ClinGen allele CA1294941.

ClinVar aggregate classification (germline): Uncertain significance. Review status: criteria provided, multiple submitters, no conflicts (2 of 4 stars). 2 submissions from 2 submitters: Uncertain significance (2). Last evaluated 2025-04-03.

Allele frequency attached by ClinVar (database versions not stated): ExAC 0.00003; gnomAD 0.00007; TOPMed 0.00012; ESP Exome Variant Server 0.00015.
gnomAD v4.1: 24 of 1,613,978 alleles (0.0015%); highest among the groups gnomAD compares: African/African-American, 0.02%; no homozygotes.

Submissions (2):

Ambry Genetics
Classification: Uncertain significance. Last evaluated: 2025-04-03. Review status: criteria provided, single submitter. Criteria: Ambry Variant Classification Scheme 2023. Collection method: clinical testing. Allele origin: germline.

Labcorp Genetics (formerly Invitae), Labcorp
Classification: Uncertain significance. Last evaluated: 2024-05-28. Review status: criteria provided, single submitter. Criteria: Invitae Variant Classification Sherloc (09022015). Collection method: clinical testing. Allele origin: germline.
Comment: This sequence change replaces asparagine, which is neutral and polar, with isoleucine, which is neutral and non-polar, at codon 4807 of the HMCN1 protein (p.Asn4807Ile). This variant is present in population databases (rs142044852, gnomAD 0.02%). This variant has not been reported in the literature in individuals affected with HMCN1-related conditions. ClinVar contains an entry for this variant (Variation ID: 2190714). An algorithm developed to predict the effect of missense changes on protein structure and function (PolyPhen-2) suggests that this variant is likely to be disruptive. In summary, the available evidence is currently insufficient to determine the role of this variant in disease. Therefore, it has been classified as a Variant of Uncertain Significance.